The following is an entry in ClinVar:

ClinVar aggregate classification (germline): Uncertain significance (1 of 4 stars; one submission).

Submission:

Labcorp Genetics (formerly Invitae), Labcorp
Classification: Uncertain significance. Last evaluated: 2022-12-07. Review status: criteria provided, single submitter. Criteria: Invitae Variant Classification Sherloc (09022015). Collection method: clinical testing. Allele origin: germline.
Comment: This sequence change replaces leucine, which is neutral and non-polar, with proline, which is neutral and non-polar, at codon 895 of the DNA2 protein (p.Leu895Pro). This variant is not present in population databases (gnomAD no frequency). In summary, the available evidence is currently insufficient to determine the role of this variant in disease. Therefore, it has been classified as a Variant of Uncertain Significance. Advanced modeling of protein sequence and biophysical properties (such as structural, functional, and spatial information, amino acid conservation, physicochemical variation, residue mobility, and thermodynamic stability) performed at Invitae indicates that this missense variant is expected to disrupt DNA2 protein function. This variant has not been reported in the literature in individuals affected with DNA2-related conditions.

NM_001080449.3(DNA2):c.2684T>C (p.Leu895Pro)

Gene: DNA2 (DNA replication helicase/nuclease 2; minus strand). Cytogenetic location: 10q21.3.
Variant type: single nucleotide variant.
Coding change: c.2684T>C on transcript NM_001080449.3 (MANE Select); coding-DNA position 2684, T replaced by C.
Protein change: p.Leu895Pro; replaces leucine 895 with proline.
Molecular consequence: missense variant. On other transcripts: non-coding transcript variant (1).
Genome position (GRCh38, 1-based): chr10:68,422,238, A>G on the plus strand (T>C on the coding strand, the complement: DNA2 is on the minus strand). VCF-style: chr10-68422238-A-G. GRCh37 (hg19) VCF-style: chr10-70181995-A-G.
Other names: short protein forms L895P.
Identifiers: ClinVar variation 2819121 (VCV002819121.3), dbSNP rs2133361599, ClinGen allele CA376844772.